The following is an entry in ClinVar:

ClinVar aggregate classification (germline): Uncertain significance. Review status: criteria provided, multiple submitters, no conflicts (2 of 4 stars). 2 submissions from 2 submitters: Uncertain significance (2). Last evaluated 2025-02-25.

Conditions:
Hereditary cancer-predisposing syndrome. Also called: Neoplastic Syndromes, Hereditary; Hereditary neoplastic syndrome; Hereditary Cancer Syndrome; Tumor predisposition. Identifiers: Orphanet 140162, MedGen C0027672, MeSH D009386, MONDO:0015356.
Neuroblastoma, susceptibility to, 3. Also called: ALK-Related Neuroblastic Tumor Susceptibility. Identifiers: Orphanet 635, MedGen C2751681, MONDO:0013083, OMIM 613014.

Allele frequency attached by ClinVar (database versions not stated): gnomAD 0.00001; TOPMed 0.00001; ESP Exome Variant Server 0.00008.
gnomAD v4.1: 1 of 1,613,814 alleles (0.000062%); highest among the groups gnomAD compares: Non-Finnish European, 0.000085%; no homozygotes.

Submissions (2):

Labcorp Genetics (formerly Invitae), Labcorp
Classification: Uncertain significance for Neuroblastoma, susceptibility to, 3. Last evaluated: 2025-02-25. Review status: criteria provided, single submitter. Criteria: Invitae Variant Classification Sherloc (09022015). Collection method: clinical testing. Allele origin: germline.
Comment: This sequence change replaces proline, which is neutral and non-polar, with histidine, which is basic and polar, at codon 1331 of the ALK protein (p.Pro1331His). This variant is not present in population databases (gnomAD no frequency). This variant has not been reported in the literature in individuals affected with ALK-related conditions. ClinVar contains an entry for this variant (Variation ID: 1398383). An algorithm developed to predict the effect of missense changes on protein structure and function (PolyPhen-2) suggests that this variant is likely to be disruptive. In summary, the available evidence is currently insufficient to determine the role of this variant in disease. Therefore, it has been classified as a Variant of Uncertain Significance.

Ambry Genetics
Classification: Uncertain significance for Hereditary cancer-predisposing syndrome. Last evaluated: 2024-02-08. Review status: criteria provided, single submitter. Criteria: Ambry Variant Classification Scheme 2023. Collection method: clinical testing. Allele origin: germline.
Comment: The p.P1331H variant (also known as c.3992C>A), located in coding exon 27 of the ALK gene, results from a C to A substitution at nucleotide position 3992. The proline at codon 1331 is replaced by histidine, an amino acid with similar properties. This amino acid position is highly conserved in available vertebrate species. In addition, the in silico prediction for this alteration is inconclusive. Based on the available evidence, the clinical significance of this alteration remains unclear.

NM_004304.5(ALK):c.3992C>A (p.Pro1331His)

Gene: ALK (ALK receptor tyrosine kinase; minus strand). Cytogenetic location: 2p23.2.
Variant type: single nucleotide variant.
Coding change: c.3992C>A on transcript NM_004304.5 (MANE Select); coding-DNA position 3992, C replaced by A.
Protein change: p.Pro1331His; replaces proline 1331 with histidine.
Molecular consequence: missense variant.
Genome position (GRCh38, 1-based): chr2:29,197,623, G>T on the plus strand (C>A on the coding strand, the complement: ALK is on the minus strand). VCF-style: chr2-29197623-G-T. GRCh37 (hg19) VCF-style: chr2-29420489-G-T.
Other names: c.788C>A, p.Pro263His (NM_001353765.2); short protein forms P1331H, P263H.
Identifiers: ClinVar variation 1398383 (VCV001398383.10), dbSNP rs370364694, ClinGen allele CA44638105.